The following is an entry in ClinVar:

NM_152281.3(GORAB):c.*534T>C

Gene: GORAB (golgin, RAB6 interacting; plus strand). Cytogenetic location: 1q24.2.
Variant type: single nucleotide variant.
Coding change: c.*534T>C on transcript NM_152281.3 (MANE Select); 534 bases downstream of the stop codon, T replaced by C.
Molecular consequence: 3 prime UTR variant. On other transcripts: non-coding transcript variant (1).
Genome position (GRCh38, 1-based): chr1:170,552,996, T>C. VCF-style: chr1-170552996-T-C. GRCh37 (hg19) VCF-style: chr1-170522137-T-C.
Other names: c.*534T>C (NM_001320252.2).
Identifiers: ClinVar variation 293667 (VCV000293667.6), dbSNP rs41272499, ClinGen allele CA1239350.
Genomic context (GRCh38, chr1:170,552,996, plus strand): 5'-AGTTGCAGGTTGAATTATCTATCTGGATATTACTAGAGTTGTAAAACACAACTTGGAAAC[T>C]GGAATTTATGTGAAGAACCAAACAACTTAAACCAGCATCACTTTTGTCTTCAATTTGCCT-3'

ClinVar aggregate classification (germline): Benign. Review status: criteria provided, multiple submitters, no conflicts (2 of 4 stars). 2 submissions from 2 submitters: Benign (2). Last evaluated 2018-01-12.

Conditions:
Geroderma osteodysplastica (GO). Also called: WALT DISNEY DWARFISM; Geroderma osteodysplasticum. Identifiers: Orphanet 2078, MedGen C0432255, MONDO:0009271, OMIM 231070.

Allele frequency attached by ClinVar (database versions not stated): TOPMed 0.00686; gnomAD 0.00754 and 0.00831; 1000 Genomes Project 30x 0.01124; gnomAD exomes 0.01271 and 0.01371; 1000 Genomes Project 0.01278; ExAC 0.02396.
gnomAD v4.1: 5,373 of 452,822 alleles (1.2%); highest among the groups gnomAD compares: Middle Eastern, 2.9%; 79 homozygotes.

Submissions (2):

Illumina Laboratory Services, Illumina
Classification: Benign for Geroderma osteodysplastica. Last evaluated: 2018-01-12. Review status: criteria provided, single submitter. Criteria: ICSL Variant Classification Criteria 13 December 2019. Collection method: clinical testing. Allele origin: germline.
Comment: This variant was observed in the ICSL laboratory as part of a predisposition screen in an ostensibly healthy population. It had not been previously curated by ICSL or reported in the Human Gene Mutation Database (HGMD: prior to June 1st, 2018), and was therefore a candidate for classification through an automated scoring system. Utilizing variant allele frequency, disease prevalence and penetrance estimates, and inheritance mode, an automated score was calculated to assess if this variant is too frequent to cause the disease. Based on the score and internal cut-off values, a variant classified as benign is not then subjected to further curation. The score for this variant resulted in a classification of benign for this disease.

Breakthrough Genomics
Classification: Benign. Review status: criteria provided, single submitter. Criteria: ACMG Guidelines, 2015. Collection method: not provided. Allele origin: germline. Inheritance: Autosomal recessive inheritance. Affected: yes.